The following is an entry in ClinVar:

ClinVar aggregate classification (germline): Uncertain significance (1 of 4 stars; one submission).

Conditions:
Familial sleep-related hypermotor epilepsy. Also called: Autosomal Dominant Sleep-Related Hypermotor (Hyperkinetic) Epilepsy. Identifiers: Orphanet 98784, MedGen C3696898, MONDO:0000030.

Submission:

Labcorp Genetics (formerly Invitae), Labcorp
Classification: Uncertain significance. Last evaluated: 2024-04-11. Review status: criteria provided, single submitter. Criteria: Invitae Variant Classification Sherloc (09022015). Collection method: clinical testing. Allele origin: germline.
Comment: This sequence change replaces valine, which is neutral and non-polar, with leucine, which is neutral and non-polar, at codon 222 of the CHRNB2 protein (p.Val222Leu). This variant is not present in population databases (gnomAD no frequency). This variant has not been reported in the literature in individuals affected with CHRNB2-related conditions. ClinVar contains an entry for this variant (Variation ID: 1521418). Advanced modeling of protein sequence and biophysical properties (such as structural, functional, and spatial information, amino acid conservation, physicochemical variation, residue mobility, and thermodynamic stability) performed at Invitae indicates that this missense variant is not expected to disrupt CHRNB2 protein function with a negative predictive value of 80%. In summary, the available evidence is currently insufficient to determine the role of this variant in disease. Therefore, it has been classified as a Variant of Uncertain Significance.

NM_000748.3(CHRNB2):c.664G>C (p.Val222Leu)

Gene: CHRNB2 (cholinergic receptor nicotinic beta 2 subunit; plus strand). Cytogenetic location: 1q21.3.
Variant type: single nucleotide variant.
Coding change: c.664G>C on transcript NM_000748.3 (MANE Select); coding-DNA position 664, G replaced by C.
Protein change: p.Val222Leu; replaces valine 222 with leucine.
Molecular consequence: missense variant.
Genome position (GRCh38, 1-based): chr1:154,571,487, G>C. VCF-style: chr1-154571487-G-C. GRCh37 (hg19) VCF-style: chr1-154543963-G-C.
Other names: short protein forms V222L.
Identifiers: ClinVar variation 1521418 (VCV001521418.8), dbSNP rs1453075590, ClinGen allele CA342630575.